The following is an entry in ClinVar:

ClinVar aggregate classification (germline): Uncertain significance (1 of 4 stars; one submission).

Submission:

Labcorp Genetics (formerly Invitae), Labcorp
Classification: Uncertain significance. Last evaluated: 2022-10-17. Review status: criteria provided, single submitter. Criteria: Invitae Variant Classification Sherloc (09022015). Collection method: clinical testing. Allele origin: germline.
Comment: A copy number gain of the genomic region encompassing the full coding sequence of the FAM20C gene has been identified. The boundaries of this event are unknown as they extend beyond the assayed region for this gene and therefore may encompass additional genes. As the precise location of this event is unknown, it may be in tandem or it may be located elsewhere in the genome. This variant has not been reported in the literature in individuals affected with FAM20C-related conditions. In summary, the available evidence is currently insufficient to determine the role of this variant in disease. Therefore, it has been classified as a Variant of Uncertain Significance.

NC_000007.13:g.(?_193200)_(299946_?)dup

Gene: FAM20C (FAM20C golgi associated secretory pathway kinase; plus strand). Cytogenetic location: 7p22.3.
Variant type: Duplication.
Identifiers: ClinVar variation 1443634 (VCV001443634.4).